The following is an entry in ClinVar:

NM_025179.4(PLXNA2):c.4765-8C>G

Gene: PLXNA2 (plexin A2; minus strand). Cytogenetic location: 1q32.2.
Variant type: single nucleotide variant.
Coding change: c.4765-8C>G on transcript NM_025179.4 (MANE Select); 8 bases into the intron before coding-DNA position 4765, C replaced by G.
Molecular consequence: intron variant.
Genome position (GRCh38, 1-based): chr1:208,034,600, G>C on the plus strand (C>G on the coding strand, the complement: PLXNA2 is on the minus strand). VCF-style: chr1-208034600-G-C. GRCh37 (hg19) VCF-style: chr1-208207945-G-C.
Identifiers: ClinVar variation 3356296 (VCV003356296.1).

ClinVar aggregate classification (germline): Likely benign (0 of 4 stars; one submission).

Conditions:
PLXNA2-related disorder. Also called: PLXNA2-related condition.

Submission:

PreventionGenetics, part of Exact Sciences
Classification: Likely benign for PLXNA2-related condition. Last evaluated: 2023-11-08. Review status: no assertion criteria provided. Collection method: clinical testing. Allele origin: germline.
Comment: This variant is classified as likely benign based on ACMG/AMP sequence variant interpretation guidelines (Richards et al. 2015 PMID: 25741868, with internal and published modifications).